The following is an entry in ClinVar:

NM_001077365.2(POMT1):c.1083-9_1083-8del

Gene: POMT1 (protein O-mannosyltransferase 1; plus strand). Cytogenetic location: 9q34.13.
Variant type: Microsatellite.
Coding change: c.1083-9_1083-8del on transcript NM_001077365.2 (MANE Select); 9 bases into the intron before coding-DNA position 1083 through 8 bases into the intron before coding-DNA position 1083, 2 bases deleted (GT; older notation c.1083-9_1083-8delGT).
Molecular consequence: intron variant.
Genome position (GRCh38, 1-based): chr9:131,513,230-131,513,231, GT deleted; deleting any 2 consecutive bases within chr9:131,513,227-131,513,231 gives the same sequence; the c. name uses the placement nearest the transcript's 3' end. VCF-style (leftmost placement, unchanged base first): chr9-131513226-CTG-C. GRCh37 (hg19) VCF-style: chr9-134388613-CTG-C.
Other names: c.987-9_987-8del (NM_001353198.2, NM_001353197.2); c.1149-9_1149-8del (NM_001353193.2, NM_007171.4); c.1083-9_1083-8del (NM_001136113.2, NM_001374690.1); c.921-9_921-8del (NM_001353194.2, NM_001077366.2); c.732-9_732-8del (NM_001374691.1, NM_001353195.2, NM_001374692.1 and 1 more transcripts); c.993-9_993-8del (NM_001353196.2); c.693-9_693-8del (NM_001374695.1); c.1071-9_1071-8del (NM_001374689.1); and 3 more.
Identifiers: ClinVar variation 593332 (VCV000593332.9), dbSNP rs781619064, ClinGen allele CA5293533.

ClinVar aggregate classification (germline): Uncertain significance. Review status: criteria provided, multiple submitters, no conflicts (2 of 4 stars). 2 submissions from 2 submitters: Uncertain significance (2). Last evaluated 2022-03-04.

Conditions:
Muscular dystrophy-dystroglycanopathy (congenital with impaired intellectual development), type B, 1. Also called: Muscular dystrophy-dystroglycanopathy (congenital with intellectual disability), type B1; MUSCULAR DYSTROPHY, CONGENITAL, POMT1-RELATED. Identifiers: MedGen C5436962, MONDO:0013159, OMIM 613155.
Autosomal recessive limb-girdle muscular dystrophy type 2K. Also called: MUSCULAR DYSTROPHY-DYSTROGLYCANOPATHY (LIMB-GIRDLE), TYPE C, 1; MUSCULAR DYSTROPHY, LIMB-GIRDLE, TYPE 2K. Identifiers: Orphanet 86812, MedGen C1836373, MONDO:0012248, OMIM 609308.
Walker-Warburg congenital muscular dystrophy. Also called: Muscular dystrophy-dystroglycanopathy, type A; Walker-Warburg syndrome. Identifiers: Orphanet 899, MedGen C0265221, MONDO:0000171.

Submissions (2):

Labcorp Genetics (formerly Invitae), Labcorp
Classification: Uncertain significance for Muscular dystrophy-dystroglycanopathy (congenital with impaired intellectual development), type B, 1; Walker-Warburg congenital muscular dystrophy; Autosomal recessive limb-girdle muscular dystrophy type 2K. Last evaluated: 2022-03-04. Review status: criteria provided, single submitter. Criteria: Invitae Variant Classification Sherloc (09022015). Collection method: clinical testing. Allele origin: germline.
Comment: This sequence change falls in intron 11 of the POMT1 gene. It does not directly change the encoded amino acid sequence of the POMT1 protein. This variant is present in population databases (rs781619064, gnomAD 0.002%). This variant has not been reported in the literature in individuals affected with POMT1-related conditions. Algorithms developed to predict the effect of sequence changes on RNA splicing suggest that this variant may create or strengthen a splice site. In summary, the available evidence is currently insufficient to determine the role of this variant in disease. Therefore, it has been classified as a Variant of Uncertain Significance.

Eurofins Ntd Llc (ga)
Classification: Uncertain significance. Last evaluated: 2017-07-31. Review status: criteria provided, single submitter. Criteria: EGL Classification Definitions 2015. Collection method: clinical testing. Allele origin: germline. Observed: 1 variant allele, 1 heterozygote.